The following is an entry in ClinVar:

ClinVar aggregate classification (germline): Uncertain significance. Review status: criteria provided, multiple submitters, no conflicts (2 of 4 stars). 3 submissions from 3 submitters: Uncertain significance (3). Last evaluated 2025-07-21.

Conditions:
Inborn genetic diseases. Identifiers: MedGen C0950123, MeSH D030342.

Allele frequency attached by ClinVar (database versions not stated): ExAC 0.00002; gnomAD exomes 0.00002; TOPMed 0.00003; gnomAD 0.00004.
gnomAD v4.1: 43 of 1,613,958 alleles (0.0027%); highest among the groups gnomAD compares: East Asian, 0.018%; no homozygotes.

Submissions (3):

Labcorp Genetics (formerly Invitae), Labcorp
Classification: Uncertain significance. Last evaluated: 2025-07-21. Review status: criteria provided, single submitter. Criteria: Invitae Variant Classification Sherloc (09022015). Collection method: clinical testing. Allele origin: germline.
Comment: This sequence change replaces alanine, which is neutral and non-polar, with valine, which is neutral and non-polar, at codon 314 of the NEFH protein (p.Ala314Val). This variant is present in population databases (rs539511579, gnomAD 0.02%). This variant has not been reported in the literature in individuals affected with NEFH-related conditions. ClinVar contains an entry for this variant (Variation ID: 1766896). Invitae Evidence Modeling of protein sequence and biophysical properties (such as structural, functional, and spatial information, amino acid conservation, physicochemical variation, residue mobility, and thermodynamic stability) indicates that this missense variant is not expected to disrupt NEFH protein function with a negative predictive value of 95%. In summary, the available evidence is currently insufficient to determine the role of this variant in disease. Therefore, it has been classified as a Variant of Uncertain Significance.

Ambry Genetics
Classification: Uncertain significance for Inborn genetic diseases. Last evaluated: 2022-08-11. Review status: criteria provided, single submitter. Criteria: Ambry Variant Classification Scheme 2023. Collection method: clinical testing. Allele origin: germline.

GeneDx
Classification: Uncertain significance. Last evaluated: 2022-08-01. Review status: criteria provided, single submitter. Criteria: GeneDx Variant Classification Process June 2021. Collection method: clinical testing. Allele origin: germline. Affected: yes.
Comment: In silico analysis supports that this missense variant has a deleterious effect on protein structure/function; Has not been previously published as pathogenic or benign to our knowledge

NM_021076.4(NEFH):c.941C>T (p.Ala314Val)

Gene: NEFH (neurofilament heavy chain; plus strand). Cytogenetic location: 22q12.2.
Variant type: single nucleotide variant.
Coding change: c.941C>T on transcript NM_021076.4 (MANE Select); coding-DNA position 941, C replaced by T.
Protein change: p.Ala314Val; replaces alanine 314 with valine.
Molecular consequence: missense variant.
Genome position (GRCh38, 1-based): chr22:29,483,432, C>T. VCF-style: chr22-29483432-C-T. GRCh37 (hg19) VCF-style: chr22-29879421-C-T.
Other names: short protein forms A314V.
Identifiers: ClinVar variation 1766896 (VCV001766896.7), dbSNP rs539511579, ClinGen allele CA10174072.
Genomic context (GRCh38, chr22:29,483,432, plus strand): 5'-CAGTGAGGCTGGACCGACTGTCGGAGGCAGCCAAGGTGAACACAGACGCTATGCGCTCAG[C>T]GCAGGAGGAGATAACTGAGTACCGGCGTCAGCTGCAGGCCAGGACCACAGAGCTGGAGGC-3'
Protein context (NP_066554.2, residues 304-324): AKVNTDAMRS[Ala314Val]QEEITEYRRQ